The following is an entry in ClinVar:

NM_005591.4(MRE11):c.*997A>G

Gene: MRE11 (MRE11 homolog, double strand break repair nuclease; minus strand). Cytogenetic location: 11q21.
Variant type: single nucleotide variant.
Coding change: c.*997A>G on transcript NM_005591.4 (MANE Select); 997 bases downstream of the stop codon, A replaced by G.
Molecular consequence: 3 prime UTR variant.
Genome position (GRCh38, 1-based): chr11:94,419,128, T>C on the plus strand (A>G on the coding strand, the complement: MRE11 is on the minus strand). VCF-style: chr11-94419128-T-C. GRCh37 (hg19) VCF-style: chr11-94152294-T-C.
Other names: c.*997A>G (NM_001330347.2, NM_005590.4).
Identifiers: ClinVar variation 306467 (VCV000306467.5), dbSNP rs149208652, ClinGen allele CA10640498.

ClinVar aggregate classification (germline): Likely benign (1 of 4 stars; one submission).

Conditions:
Ataxia-telangiectasia-like disorder 1 (ATLD1). Identifiers: Orphanet 251347, MedGen C4012790, MONDO:0024557, OMIM 604391.

Allele frequency attached by ClinVar (database versions not stated): gnomAD exomes 0.00065; 1000 Genomes Project 0.00260; gnomAD 0.00292 and 0.00317; 1000 Genomes Project 30x 0.00312; TOPMed 0.00343.
gnomAD v4.1: 498 of 232,628 alleles (0.21%); highest among the groups gnomAD compares: African/African-American, 1%; 3 homozygotes.

Submission:

Illumina Laboratory Services, Illumina
Classification: Likely benign for Ataxia-telangiectasia-like disorder 1. Last evaluated: 2018-01-13. Review status: criteria provided, single submitter. Criteria: ICSL Variant Classification Criteria 13 December 2019. Collection method: clinical testing. Allele origin: germline.
Comment: This variant was observed in the ICSL laboratory as part of a predisposition screen in an ostensibly healthy population. It had not been previously curated by ICSL or reported in the Human Gene Mutation Database (HGMD: prior to June 1st, 2018), and was therefore a candidate for classification through an automated scoring system. Utilizing variant allele frequency, disease prevalence and penetrance estimates, and inheritance mode, an automated score was calculated to assess if this variant is too frequent to cause the disease. Based on the score and internal cut-off values, a variant classified as likely benign is not then subjected to further curation. The score for this variant resulted in a classification of likely benign for this disease.